The following is an entry in ClinVar:

ClinVar aggregate classification (germline): Uncertain significance (1 of 4 stars; one submission).

Allele frequency attached by ClinVar (database versions not stated): gnomAD exomes below 0.00001; TOPMed 0.00001.
gnomAD v4.1: 6 of 1,609,994 alleles (0.00037%); highest among the groups gnomAD compares: Admixed American, 0.0034%; no homozygotes.

Submission:

Labcorp Genetics (formerly Invitae), Labcorp
Classification: Uncertain significance. Last evaluated: 2022-02-04. Review status: criteria provided, single submitter. Criteria: Invitae Variant Classification Sherloc (09022015). Collection method: clinical testing. Allele origin: germline.
Comment: This sequence change affects codon 184 of the AGBL5 mRNA. It is a 'silent' change, meaning that it does not change the encoded amino acid sequence of the AGBL5 protein. It affects a nucleotide within the consensus splice site. This variant is present in population databases (no rsID available, gnomAD 0.003%). This variant has not been reported in the literature in individuals affected with AGBL5-related conditions. Algorithms developed to predict the effect of sequence changes on RNA splicing suggest that this variant is not likely to affect RNA splicing. In summary, the available evidence is currently insufficient to determine the role of this variant in disease. Therefore, it has been classified as a Variant of Uncertain Significance.

NM_021831.6(AGBL5):c.552C>T (p.Ser184=)

Gene: AGBL5 (AGBL carboxypeptidase 5; plus strand). Cytogenetic location: 2p23.3.
Variant type: single nucleotide variant.
Coding change: c.552C>T on transcript NM_021831.6 (MANE Select); coding-DNA position 552, C replaced by T.
Protein change: p.Ser184=; no amino-acid change (serine 184 retained).
Molecular consequence: synonymous variant. On other transcripts: non-coding transcript variant (2).
Genome position (GRCh38, 1-based): chr2:27,054,630, C>T. VCF-style: chr2-27054630-C-T. GRCh37 (hg19) VCF-style: chr2-27277498-C-T.
Other names: c.552C>T, p.Ser184= (NM_001035506.1, NM_001035507.3).
Identifiers: ClinVar variation 1923870 (VCV001923870.5), dbSNP rs748226286, ClinGen allele CA44464298.